The following is an entry in ClinVar:

ClinVar aggregate classification (germline): Pathogenic (1 of 4 stars; one submission).

Conditions:
Inborn genetic diseases. Identifiers: MedGen C0950123, MeSH D030342.

Submission:

Ambry Genetics
Classification: Pathogenic for Inborn genetic diseases. Last evaluated: 2023-08-24. Review status: criteria provided, single submitter. Criteria: Ambry Variant Classification Scheme 2023. Collection method: clinical testing. Allele origin: germline.
Comment: The c.1047dupT (p.D350*) alteration, located in exon 11 (coding exon 11) of the DDX3X gene, consists of a duplication of T at position 1047, causing a translational frameshift with a predicted alternate stop codon after amino acids. This alteration is expected to result in loss of function by premature protein truncation or nonsense-mediated mRNA decay. This variant was not reported in population-based cohorts in the Genome Aggregation Database (gnomAD). Based on the available evidence, this alteration is classified as pathogenic.

NM_001356.5(DDX3X):c.1047dup (p.Asp350Ter)

Gene: DDX3X (DEAD-box helicase 3 X-linked; plus strand). Cytogenetic location: Xp11.4.
Variant type: Duplication.
Coding change: c.1047dup on transcript NM_001356.5 (MANE Select); coding-DNA position 1047, one base duplicated (T; older notation c.1047dupT).
Protein change: p.Asp350Ter; replaces aspartic acid 350 with a stop codon.
Molecular consequence: nonsense. On other transcripts: non-coding transcript variant (1).
Genome position (GRCh38, 1-based): chrX:41,345,201, T duplicated. VCF-style (leftmost placement, unchanged base first): chrX-41345200-C-CT. GRCh37 (hg19) VCF-style: chrX-41204453-C-CT.
Other names: c.1047dup, p.Asp350Ter (NM_001193416.3); c.999dup, p.Asp334Ter (NM_001193417.3); c.489dup, p.Asp164Ter (NM_001363819.1); short protein forms D334*, D164*, D350*.
Identifiers: ClinVar variation 2615584 (VCV002615584.2), dbSNP rs2488425669, ClinGen allele CA2582342907.